The following is an entry in ClinVar:

ClinVar aggregate classification (germline): Uncertain significance (1 of 4 stars; one submission).

Submission:

Mayo Clinic Laboratories, Mayo Clinic
Classification: Uncertain significance. Last evaluated: 2025-01-14. Review status: criteria provided, single submitter. Criteria: ACMG Guidelines, 2015. Collection method: clinical testing. Allele origin: germline. Observed: 1 variant allele.
Comment: BP4_moderate, PM2_supporting

NM_018116.4(MSTO1):c.1180G>A (p.Ala394Thr)

Gene: MSTO1 (misato mitochondrial distribution and morphology regulator 1; plus strand). Cytogenetic location: 1q22.
Variant type: single nucleotide variant.
Coding change: c.1180G>A on transcript NM_018116.4 (MANE Select); coding-DNA position 1180, G replaced by A.
Protein change: p.Ala394Thr; replaces alanine 394 with threonine.
Molecular consequence: missense variant. On other transcripts: non-coding transcript variant (6).
Genome position (GRCh38, 1-based): chr1:155,613,130, G>A. VCF-style: chr1-155613130-G-A. GRCh37 (hg19) VCF-style: chr1-155582921-G-A.
Other names: p.Ala394Thr; c.1180G>A, p.Ala394Thr (NM_001256532.1, NM_001256533.1, NM_001350772.1 and 3 more transcripts); c.1015G>A, p.Ala339Thr (NM_001350776.1); c.649G>A, p.Ala217Thr (NM_001350777.1, NM_001350778.1, NM_001350779.1); c.646G>A, p.Ala216Thr (NM_001350780.1, NM_001350781.1, NM_001350782.1 and 3 more transcripts); c.637G>A, p.Ala213Thr (NM_001350784.1, NM_001350785.1, NM_001350787.1 and 1 more transcripts); short protein forms A217T, A213T, A339T, A216T, A394T.
Identifiers: ClinVar variation 4541577 (VCV004541577.1).